The following is an entry in ClinVar:

ClinVar aggregate classification (germline): Uncertain significance. Review status: criteria provided, multiple submitters, no conflicts (2 of 4 stars). 3 submissions from 3 submitters: Uncertain significance (3). Last evaluated 2025-10-30.

Conditions:
Inborn genetic diseases. Identifiers: MedGen C0950123, MeSH D030342.

Allele frequency attached by ClinVar (database versions not stated): gnomAD 0.00002; gnomAD exomes 0.00003; TOPMed 0.00004; ESP Exome Variant Server 0.00008; ExAC 0.00009.
gnomAD v4.1: 54 of 1,604,972 alleles (0.0034%); highest among the groups gnomAD compares: East Asian, 0.038%; no homozygotes.

Submissions (3):

Ambry Genetics
Classification: Uncertain significance for Inborn genetic diseases. Last evaluated: 2025-10-30. Review status: criteria provided, single submitter. Criteria: Ambry Variant Classification Scheme 2023. Collection method: clinical testing. Allele origin: germline.

Labcorp Genetics (formerly Invitae), Labcorp
Classification: Uncertain significance. Last evaluated: 2023-08-04. Review status: criteria provided, single submitter. Criteria: Invitae Variant Classification Sherloc (09022015). Collection method: clinical testing. Allele origin: germline.
Comment: This sequence change replaces arginine, which is basic and polar, with histidine, which is basic and polar, at codon 226 of the COL18A1 protein (p.Arg226His). The frequency data for this variant in the population databases is considered unreliable, as metrics indicate poor data quality at this position in the gnomAD database. This variant has not been reported in the literature in individuals affected with COL18A1-related conditions. ClinVar contains an entry for this variant (Variation ID: 1349913). Experimental studies and prediction algorithms are not available or were not evaluated, and the functional significance of this variant is currently unknown. In summary, the available evidence is currently insufficient to determine the role of this variant in disease. Therefore, it has been classified as a Variant of Uncertain Significance.

Blueprint Genetics
Classification: Uncertain significance. Last evaluated: 2023-04-11. Review status: criteria provided, single submitter. Criteria: ACMG Guidelines, 2015. Collection method: clinical testing. Allele origin: germline.

NM_001379500.1(COL18A1):c.677G>A (p.Arg226His)

Gene: COL18A1 (collagen type XVIII alpha 1 chain; plus strand). Cytogenetic location: 21q22.3.
Variant type: single nucleotide variant.
Coding change: c.677G>A on transcript NM_001379500.1 (MANE Select); coding-DNA position 677, G replaced by A.
Protein change: p.Arg226His; replaces arginine 226 with histidine.
Molecular consequence: missense variant.
Genome position (GRCh38, 1-based): chr21:45,473,920, G>A. VCF-style: chr21-45473920-G-A. GRCh37 (hg19) VCF-style: chr21-46893834-G-A.
Other names: NM_130445.2:c.677G>A; c.1217G>A, p.Arg406His (NM_030582.4); c.1922G>A, p.Arg641His (NM_130444.3); short protein forms R406H, R226H, R641H.
Identifiers: ClinVar variation 1349913 (VCV001349913.7), dbSNP rs201095161, ClinGen allele CA10065844.